The following is an entry in ClinVar:

ClinVar aggregate classification (germline): Likely benign (1 of 4 stars; one submission).

Allele frequency attached by ClinVar (database versions not stated): gnomAD exomes below 0.00001; TOPMed below 0.00001; ExAC 0.00001; gnomAD 0.00001; ESP Exome Variant Server 0.00008.

Submission:

Laboratory for Molecular Medicine, Mass General Brigham Personalized Medicine
Classification: Likely benign. Last evaluated: 2012-04-30. Review status: criteria provided, single submitter. Criteria: LMM Criteria. Collection method: clinical testing. Allele origin: germline. Observed: 1 variant allele.
Comment: 446+9A>G in Intron 05 of TMPRSS3: This variant is not expected to have clinical significance because it is not located within the conserved splice consensus seq uence and has been identified in 1/7020 European American chromosomes from a bro ad population by the NHLBI Exome Sequencing Project (u/EVS).

NM_001256317.3(TMPRSS3):c.446+9A>G

Gene: TMPRSS3 (transmembrane serine protease 3; minus strand). Cytogenetic location: 21q22.3.
Variant type: single nucleotide variant.
Coding change: c.446+9A>G on transcript NM_001256317.3 (MANE Select); 9 bases into the intron after coding-DNA position 446, A replaced by G.
Molecular consequence: intron variant.
Genome position (GRCh38, 1-based): chr21:42,388,394, T>C on the plus strand (A>G on the coding strand, the complement: TMPRSS3 is on the minus strand). VCF-style: chr21-42388394-T-C. GRCh37 (hg19) VCF-style: chr21-43808503-T-C.
Other names: c.446+9A>G (NM_024022.4, NM_032405.2); c.65+9A>G (NM_032404.3).
Identifiers: ClinVar variation 178550 (VCV000178550.5), dbSNP rs367594676, ClinGen allele CA182540.
Genomic context (GRCh38, chr21:42,388,394, plus strand): 5'-GTAGTTGTCTTTCTTTATTGTTATCCTCTCTGTGTTTTGCCCATGGGTTGGAAATGCTCT[T>C]TAACTTACCTTGGGAAACCCAGTTGGGCACAGGCAACATTTGCGTAGTGACCCTTCCAGT-3'